The following is an entry in ClinVar:

ClinVar aggregate classification (germline): Uncertain significance (1 of 4 stars; one submission).

Conditions:
Congenital myasthenic syndrome 20. Also called: Myasthenic syndrome, congenital, 20, presynaptic. Identifiers: MedGen C4310694, MONDO:0014939, OMIM 617143.
Neuronopathy, distal hereditary motor, type 7A. Also called: Neuronopathy, distal hereditary motor, type viia; NEURONOPATHY, DISTAL HEREDITARY MOTOR, HARDING TYPE VIIA; NEUROPATHY, DISTAL HEREDITARY MOTOR, HARDING TYPE VIIA; Neuronopathy, distal hereditary motor, autosomal dominant 7; HARPER-YOUNG MYOPATHY; HMN VIIA. Identifiers: Orphanet 139589, MedGen C1834703, MONDO:0008024, OMIM 158580.

Submission:

Labcorp Genetics (formerly Invitae), Labcorp
Classification: Uncertain significance for Neuronopathy, distal hereditary motor, type 7A; Congenital myasthenic syndrome 20. Last evaluated: 2025-12-31. Review status: criteria provided, single submitter. Criteria: Invitae Variant Classification Sherloc (09022015). Collection method: clinical testing. Allele origin: germline.
Comment: This sequence change replaces aspartic acid, which is acidic and polar, with tyrosine, which is neutral and polar, at codon 468 of the SLC5A7 protein (p.Asp468Tyr). This variant is not present in population databases (gnomAD no frequency). This variant has not been reported in the literature in individuals affected with SLC5A7-related conditions. Invitae Evidence Modeling of protein sequence and biophysical properties (such as structural, functional, and spatial information, amino acid conservation, physicochemical variation, residue mobility, and thermodynamic stability) indicates that this missense variant is not expected to disrupt SLC5A7 protein function with a negative predictive value of 80%. In summary, the available evidence is currently insufficient to determine the role of this variant in disease. Therefore, it has been classified as a Variant of Uncertain Significance.

NM_021815.5(SLC5A7):c.1402G>T (p.Asp468Tyr)

Gene: SLC5A7 (solute carrier family 5 member 7; plus strand). Cytogenetic location: 2q12.3.
Variant type: single nucleotide variant.
Coding change: c.1402G>T on transcript NM_021815.5 (MANE Select); coding-DNA position 1402, G replaced by T.
Protein change: p.Asp468Tyr; replaces aspartic acid 468 with tyrosine.
Molecular consequence: missense variant.
Genome position (GRCh38, 1-based): chr2:108,010,520, G>T. VCF-style: chr2-108010520-G-T. GRCh37 (hg19) VCF-style: chr2-108626976-G-T.
Other names: c.1402G>T, p.Asp468Tyr (NM_001305005.3); c.1087G>T, p.Asp363Tyr (NM_001305006.3); c.661G>T, p.Asp221Tyr (NM_001305007.3); short protein forms D363Y, D221Y, D468Y.
Identifiers: ClinVar variation 4783090 (VCV004783090.1).